The following is an entry in ClinVar:

ClinVar aggregate classification (germline): Uncertain significance (1 of 4 stars; one submission).

Conditions:
Transcobalamin II deficiency (TCN2D). Also called: Transcolabamin II deficiency; TC II DEFICIENCY; TCN2 DEFICIENCY. Identifiers: Orphanet 859, MedGen C0342701, MONDO:0010149, OMIM 275350.

Allele frequency attached by ClinVar (database versions not stated): gnomAD exomes below 0.00001.

Submission:

Labcorp Genetics (formerly Invitae), Labcorp
Classification: Uncertain significance for Transcobalamin II deficiency. Last evaluated: 2022-06-20. Review status: criteria provided, single submitter. Criteria: Invitae Variant Classification Sherloc (09022015). Collection method: clinical testing. Allele origin: germline.
Comment: This sequence change replaces proline, which is neutral and non-polar, with serine, which is neutral and polar, at codon 236 of the TCN2 protein (p.Pro236Ser). This variant is present in population databases (no rsID available, gnomAD 0.003%). This variant has not been reported in the literature in individuals affected with TCN2-related conditions. Algorithms developed to predict the effect of missense changes on protein structure and function output the following: SIFT: "Tolerated"; PolyPhen-2: "Benign"; Align-GVGD: "Class C25". The serine amino acid residue is found in multiple mammalian species, which suggests that this missense change does not adversely affect protein function. In summary, the available evidence is currently insufficient to determine the role of this variant in disease. Therefore, it has been classified as a Variant of Uncertain Significance.

NM_000355.4(TCN2):c.706C>T (p.Pro236Ser)

Gene: TCN2 (transcobalamin 2; plus strand). Cytogenetic location: 22q12.2.
Variant type: single nucleotide variant.
Coding change: c.706C>T on transcript NM_000355.4 (MANE Select); coding-DNA position 706, C replaced by T.
Protein change: p.Pro236Ser; replaces proline 236 with serine.
Molecular consequence: missense variant.
Genome position (GRCh38, 1-based): chr22:30,615,426, C>T. VCF-style: chr22-30615426-C-T. GRCh37 (hg19) VCF-style: chr22-31011413-C-T.
Other names: c.625C>T, p.Pro209Ser (NM_001184726.2); short protein forms P236S, P209S.
Identifiers: ClinVar variation 1370934 (VCV001370934.5), dbSNP rs1382507371, ClinGen allele CA411212654.
Genomic context (GRCh38, chr22:30,615,426, plus strand): 5'-AGACAACGGATCACCATGGCCATCAGAACAGTGCGAGAGGAGATCTTGAAGGCCCAGACC[C>T]CCGAGGGCCACTTTGGGAATGTCTACAGCACCCCATTGGCATTACAGGTGGGAAAGAGAC-3'
Protein context (NP_000346.2, residues 226-246): VREEILKAQT[Pro236Ser]EGHFGNVYST